The following is an entry in ClinVar:

NM_021076.4(NEFH):c.161C>T (p.Ser54Phe)

Gene: NEFH (neurofilament heavy chain; plus strand). Cytogenetic location: 22q12.2.
Variant type: single nucleotide variant.
Coding change: c.161C>T on transcript NM_021076.4 (MANE Select); coding-DNA position 161, C replaced by T.
Protein change: p.Ser54Phe; replaces serine 54 with phenylalanine.
Molecular consequence: missense variant.
Genome position (GRCh38, 1-based): chr22:29,480,423, C>T. VCF-style: chr22-29480423-C-T. GRCh37 (hg19) VCF-style: chr22-29876412-C-T.
Other names: short protein forms S54F.
Identifiers: ClinVar variation 2999265 (VCV002999265.3), dbSNP rs2517968240, ClinGen allele CA411121694.

ClinVar aggregate classification (germline): Uncertain significance (1 of 4 stars; one submission).

Allele frequency attached by ClinVar (database versions not stated): gnomAD exomes below 0.00001.
gnomAD v4.1: 1 of 1,532,084 alleles (0.000065%); highest among the groups gnomAD compares: Non-Finnish European, 0.000087%; no homozygotes.

Submission:

Labcorp Genetics (formerly Invitae), Labcorp
Classification: Uncertain significance. Last evaluated: 2024-02-08. Review status: criteria provided, single submitter. Criteria: Invitae Variant Classification Sherloc (09022015). Collection method: clinical testing. Allele origin: germline.
Comment: This sequence change replaces serine, which is neutral and polar, with phenylalanine, which is neutral and non-polar, at codon 54 of the NEFH protein (p.Ser54Phe). This variant is not present in population databases (gnomAD no frequency). This variant has not been reported in the literature in individuals affected with NEFH-related conditions. Advanced modeling of protein sequence and biophysical properties (such as structural, functional, and spatial information, amino acid conservation, physicochemical variation, residue mobility, and thermodynamic stability) performed at Invitae indicates that this missense variant is not expected to disrupt NEFH protein function with a negative predictive value of 95%. In summary, the available evidence is currently insufficient to determine the role of this variant in disease. Therefore, it has been classified as a Variant of Uncertain Significance.